The following is an entry in ClinVar:

ClinVar aggregate classification (germline): Uncertain significance (1 of 4 stars; one submission).

Allele frequency attached by ClinVar (database versions not stated): ExAC 0.00001; gnomAD 0.00001; 1000 Genomes Project 0.00020.

Submission:

Ambry Genetics
Classification: Uncertain significance. Last evaluated: 2022-03-30. Review status: criteria provided, single submitter. Criteria: Ambry Variant Classification Scheme 2023. Collection method: clinical testing. Allele origin: germline.
Comment: The p.K452R variant (also known as c.1355A>G), located in coding exon 10 of the RECQL gene, results from an A to G substitution at nucleotide position 1355. The amino acid change results in lysine to arginine at codon 452, an amino acid with highly similar properties. However, this change occurs in the last base pair of coding exon 10, which makes it likely to have some effect on normal mRNA splicing. This amino acid position is well conserved in available vertebrate species. In addition, this alteration is predicted to be tolerated by in silico analysis. The evidence for this gene-disease relationship is limited; therefore, the clinical significance of this alteration is unclear.

NM_002907.4(RECQL):c.1355A>G (p.Lys452Arg)

Gene: RECQL (RecQ like helicase; minus strand). Cytogenetic location: 12p12.1.
Variant type: single nucleotide variant.
Coding change: c.1355A>G on transcript NM_002907.4 (MANE Select); coding-DNA position 1355, A replaced by G.
Protein change: p.Lys452Arg; replaces lysine 452 with arginine.
Molecular consequence: missense variant.
Genome position (GRCh38, 1-based): chr12:21,474,841, T>C on the plus strand (A>G on the coding strand, the complement: RECQL is on the minus strand). VCF-style: chr12-21474841-T-C. GRCh37 (hg19) VCF-style: chr12-21627775-T-C.
Other names: c.1355A>G, p.Lys452Arg (NM_032941.3); short protein forms K452R.
Identifiers: ClinVar variation 1770678 (VCV001770678.2), dbSNP rs577044266, ClinGen allele CA6478793.